The following is an entry in ClinVar:

NM_001358263.1(HK1):c.28-3329G>A

Gene: HK1 (hexokinase 1; plus strand). Cytogenetic location: 10q22.1.
Variant type: single nucleotide variant.
Coding change: c.28-3329G>A on transcript NM_001358263.1 (MANE Plus Clinical); 3329 bases into the intron before coding-DNA position 28, G replaced by A.
Molecular consequence: intron variant. On other transcripts: missense variant (1).
Genome position (GRCh38, 1-based): chr10:69,292,304, G>A. VCF-style: chr10-69292304-G-A. GRCh37 (hg19) VCF-style: chr10-71052060-G-A.
Other names: c.74G>A, p.Arg25His (NM_001322365.2); c.-114-3329G>A (NM_033500.2); c.28-3329G>A (NM_033498.3, NM_033497.3, NM_001322364.2); short protein forms R25H.
Identifiers: ClinVar variation 811926 (VCV000811926.11), dbSNP rs192516988, ClinGen allele CA5532078.

ClinVar aggregate classification (germline): Uncertain significance. Review status: criteria provided, multiple submitters, no conflicts (2 of 4 stars). 3 submissions from 3 submitters: Uncertain significance (2). 1 of the submissions does not count toward it. Last evaluated 2019-03-07.

Conditions:
HK1-related disorder. Also called: HK1-related disorders; HK1-related condition.

Allele frequency attached by ClinVar (database versions not stated): gnomAD 0.00019 and 0.00015; gnomAD exomes 0.00027 and 0.00052; TOPMed 0.00031; 1000 Genomes Project 0.00100; ExAC 0.00035; 1000 Genomes Project 30x 0.00094.
gnomAD v4.1: 105 of 431,060 alleles (0.024%); highest among the groups gnomAD compares: East Asian, 0.49%; no homozygotes.

Submissions (3):

ARUP Laboratories, Molecular Genetics and Genomics, ARUP Laboratories
Classification: Uncertain significance. Last evaluated: 2019-03-07. Review status: criteria provided, single submitter. Criteria: ARUP Molecular Germline Variant Investigation Process. Collection method: clinical testing. Allele origin: germline.

Breakthrough Genomics
Classification: Uncertain significance. Review status: criteria provided, single submitter. Criteria: ACMG Guidelines, 2015. Collection method: not provided. Allele origin: germline. Inheritance: Autosomal recessive inheritance. Affected: yes.

PreventionGenetics, part of Exact Sciences
Classification: Likely benign for HK1-related condition. Last evaluated: 2021-02-04. Review status: no assertion criteria provided. Collection method: clinical testing. Allele origin: germline. Not counted in ClinVar's aggregate classification.
Comment: This variant is classified as likely benign based on ACMG/AMP sequence variant interpretation guidelines (Richards et al. 2015 PMID: 25741868, with internal and published modifications).